The following is an entry in ClinVar:

NM_001290043.2(TAP2):c.1087C>T (p.Arg363Trp)

Gene: TAP2 (transporter 2, ATP binding cassette subfamily B member; minus strand). Cytogenetic location: 6p21.32.
Variant type: single nucleotide variant.
Coding change: c.1087C>T on transcript NM_001290043.2 (MANE Select); coding-DNA position 1087, C replaced by T.
Protein change: p.Arg363Trp; replaces arginine 363 with tryptophan.
Molecular consequence: missense variant.
Genome position (GRCh38, 1-based): chr6:32,832,683, G>A on the plus strand (C>T on the coding strand, the complement: TAP2 is on the minus strand). VCF-style: chr6-32832683-G-A. GRCh37 (hg19) VCF-style: chr6-32800460-G-A.
Other names: c.1087C>T, p.Arg363Trp (NM_000544.3, NM_018833.3); short protein forms R363W.
Identifiers: ClinVar variation 1503118 (VCV001503118.8), dbSNP rs573005983, ClinGen allele CA3746002.

ClinVar aggregate classification (germline): Uncertain significance. Review status: criteria provided, multiple submitters, no conflicts (2 of 4 stars). 3 submissions from 3 submitters: Uncertain significance (3). Last evaluated 2024-10-21.

Conditions:
Inborn genetic diseases. Identifiers: MedGen C0950123, MeSH D030342.
MHC class I deficiency. Identifiers: Orphanet 34592, MedGen C6024714, MONDO:0011476.

Allele frequency attached by ClinVar (database versions not stated): gnomAD 0.00009 and 0.00008; TOPMed 0.00010; gnomAD exomes 0.00006; ExAC 0.00008.
gnomAD v4.1: 101 of 1,612,920 alleles (0.0063%); highest among the groups gnomAD compares: Non-Finnish European, 0.0082%; no homozygotes.

Submissions (3):

Labcorp Genetics (formerly Invitae), Labcorp
Classification: Uncertain significance for MHC class I deficiency 1. Last evaluated: 2024-10-21. Review status: criteria provided, single submitter. Criteria: Invitae Variant Classification Sherloc (09022015). Collection method: clinical testing. Allele origin: germline.
Comment: This sequence change replaces arginine, which is basic and polar, with tryptophan, which is neutral and slightly polar, at codon 363 of the TAP2 protein (p.Arg363Trp). This variant is present in population databases (rs573005983, gnomAD 0.01%). This variant has not been reported in the literature in individuals affected with TAP2-related conditions. ClinVar contains an entry for this variant (Variation ID: 1503118). Experimental studies and prediction algorithms are not available or were not evaluated, and the functional significance of this variant is currently unknown. In summary, the available evidence is currently insufficient to determine the role of this variant in disease. Therefore, it has been classified as a Variant of Uncertain Significance.

Ambry Genetics
Classification: Uncertain significance for Inborn genetic diseases. Last evaluated: 2024-09-02. Review status: criteria provided, single submitter. Criteria: Ambry Variant Classification Scheme 2023. Collection method: clinical testing. Allele origin: germline.

Fulgent Genetics
Classification: Uncertain significance for MHC class I deficiency 1. Last evaluated: 2021-08-12. Review status: criteria provided, single submitter. Criteria: ACMG Guidelines, 2015. Collection method: clinical testing. Allele origin: unknown.